The following is an entry in ClinVar:

NM_005269.3(GLI1):c.1798G>T (p.Gly600Cys)

Gene: GLI1 (GLI family zinc finger 1; plus strand). Cytogenetic location: 12q13.3.
Variant type: single nucleotide variant.
Coding change: c.1798G>T on transcript NM_005269.3 (MANE Select); coding-DNA position 1798, G replaced by T.
Protein change: p.Gly600Cys; replaces glycine 600 with cysteine.
Molecular consequence: missense variant.
Genome position (GRCh38, 1-based): chr12:57,470,538, G>T. VCF-style: chr12-57470538-G-T. GRCh37 (hg19) VCF-style: chr12-57864321-G-T.
Other names: c.1414G>T, p.Gly472Cys (NM_001160045.2); c.1675G>T, p.Gly559Cys (NM_001167609.2); c.1798G>T (NM_005269.2); short protein forms G472C, G559C, G600C.
Identifiers: ClinVar variation 2643134 (VCV002643134.26), dbSNP rs147997893, ClinGen allele CA6648878.
Genomic context (GRCh38, chr12:57,470,538, plus strand): 5'-GGCCTTATGCCTGCCCAGCACTACCTGCTTCGGGCAAGATATGCTTCAGCCAGAGGGGGT[G>T]GTACTTCGCCCACTGCAGCATCCAGCCTGGATCGGATAGGTGGTCTTCCCATGCCTCCTT-3'
Protein context (NP_005260.1, residues 590-610): RARYASARGG[Gly600Cys]TSPTAASSLD

ClinVar aggregate classification (germline): Conflicting classifications of pathogenicity. Review status: criteria provided, conflicting classifications (1 of 4 stars). 4 submissions from 4 submitters: Uncertain significance (2); Likely benign (2). Last evaluated 2025-07-01.

Allele frequency attached by ClinVar (database versions not stated): ExAC 0.00019; gnomAD exomes 0.00019; ESP Exome Variant Server 0.00023.

Submissions (4):

CeGaT Center for Human Genetics Tuebingen
Classification: Likely benign. Last evaluated: 2025-07-01. Review status: criteria provided, single submitter. Criteria: CeGaT Center For Human Genetics Tuebingen Variant Classification Criteria Version 2. Collection method: clinical testing. Allele origin: germline. Affected: yes. Observed: 2 variant alleles.
Comment: GLI1: BP4

Blueprint Genetics
Classification: Likely benign. Last evaluated: 2024-11-22. Review status: criteria provided, single submitter. Criteria: ACMG Guidelines, 2015. Collection method: clinical testing. Allele origin: germline.

Ambry Genetics
Classification: Uncertain significance. Last evaluated: 2024-05-16. Review status: criteria provided, single submitter. Criteria: Ambry Variant Classification Scheme 2023. Collection method: clinical testing. Allele origin: germline.

Women's Health and Genetics/Laboratory Corporation of America, LabCorp
Classification: Uncertain significance. Last evaluated: 2024-04-08. Review status: criteria provided, single submitter. Criteria: LabCorp Variant Classification Summary - May 2015. Collection method: clinical testing. Allele origin: germline.
Comment: Variant summary: GLI1 c.1798G>T (p.Gly600Cys) results in a non-conservative amino acid change in the encoded protein sequence. Four of five in-silico tools predict a damaging effect of the variant on protein function. The variant allele was found at a frequency of 0.00023 in 251012 control chromosomes (gnomAD). c.1798G>T has been reported in the literature in an individual affected with holoprosencephaly who also had a truncating ZIC2 variant (Roessler_2018). This report does not provide unequivocal conclusions about association of the variant with GLI1-Related Disorders. To our knowledge, no experimental evidence demonstrating an impact on protein function has been reported. The following publication has been ascertained in the context of this evaluation (PMID: 29992659). ClinVar contains an entry for this variant (Variation ID: 2643134). Based on the evidence outlined above, the variant was classified as uncertain significance.

Literature cited by the submitters: PubMed 29992659 (cited by Women's Health and Genetics/Laboratory Corporation of America, LabCorp).